The following is an entry in ClinVar:

ClinVar aggregate classification (germline): Uncertain significance (1 of 4 stars; one submission).

Conditions:
Hereditary pancreatitis (PCTT). Also called: Hereditary chronic pancreatitis; PRSS1-Related Hereditary Pancreatitis. Identifiers: Orphanet 676, MedGen C0238339, MONDO:0008185, OMIM 167800.

Submission:

Ambry Genetics
Classification: Uncertain significance for Hereditary pancreatitis. Last evaluated: 2026-09-06. Review status: criteria provided, single submitter. Criteria: Ambry Variant Classification Scheme 2023. Collection method: clinical testing. Allele origin: germline.
Comment: The p.P38R variant (also known as c.113C>G), located in coding exon 2 of the CTRC gene, results from a C to G substitution at nucleotide position 113. The proline at codon 38 is replaced by arginine, an amino acid with dissimilar properties. This amino acid position is conserved. In addition, the in silico prediction for this alteration is inconclusive. Based on the available evidence, the clinical significance of this variant remains unclear.

NM_007272.3(CTRC):c.113C>G (p.Pro38Arg)

Gene: CTRC (chymotrypsin C; plus strand). Cytogenetic location: 1p36.21.
Variant type: single nucleotide variant.
Coding change: c.113C>G on transcript NM_007272.3 (MANE Select); coding-DNA position 113, C replaced by G.
Protein change: p.Pro38Arg; replaces proline 38 with arginine.
Molecular consequence: missense variant.
Genome position (GRCh38, 1-based): chr1:15,440,372, C>G. VCF-style: chr1-15440372-C-G. GRCh37 (hg19) VCF-style: chr1-15766868-C-G.
Other names: short protein forms P38R.
Identifiers: ClinVar variation 5035064 (VCV005035064.1).